The following is an entry in ClinVar:

ClinVar aggregate classification (germline): Uncertain significance. Review status: criteria provided, multiple submitters, no conflicts (2 of 4 stars). 2 submissions from 2 submitters: Uncertain significance (2). Last evaluated 2023-08-25.

Conditions:
Ataxia-telangiectasia syndrome (AT). Also called: Ataxia telangiectasia (A-T); Ataxia-telangiectasia, complementation group D; AT, COMPLEMENTATION GROUP C; ATAXIA-TELANGIECTASIA, COMPLEMENTATION GROUP A; Ataxia-telangiectasia, complementation group E; ATAXIA-TELANGIECTASIA, FRESNO VARIANT. Identifiers: Orphanet 100, MedGen C0004135, MONDO:0008840, OMIM 208900.
Hereditary cancer-predisposing syndrome. Also called: Neoplastic Syndromes, Hereditary; Tumor predisposition; Hereditary Cancer Syndrome; Hereditary neoplastic syndrome. Identifiers: Orphanet 140162, MedGen C0027672, MeSH D009386, MONDO:0015356.

Submissions (2):

Labcorp Genetics (formerly Invitae), Labcorp
Classification: Uncertain significance for Ataxia-telangiectasia syndrome. Last evaluated: 2023-08-25. Review status: criteria provided, single submitter. Criteria: Invitae Variant Classification Sherloc (09022015). Collection method: clinical testing. Allele origin: germline.
Comment: This sequence change replaces alanine, which is neutral and non-polar, with threonine, which is neutral and polar, at codon 823 of the ATM protein (p.Ala823Thr). In summary, the available evidence is currently insufficient to determine the role of this variant in disease. Therefore, it has been classified as a Variant of Uncertain Significance. An algorithm developed to predict the effect of missense changes on protein structure and function (PolyPhen-2) suggests that this variant is likely to be tolerated. ClinVar contains an entry for this variant (Variation ID: 567938). This variant has not been reported in the literature in individuals affected with ATM-related conditions. This variant is not present in population databases (gnomAD no frequency).

Ambry Genetics
Classification: Uncertain significance for Hereditary cancer-predisposing syndrome. Last evaluated: 2020-09-17. Review status: criteria provided, single submitter. Criteria: Ambry Variant Classification Scheme 2023. Collection method: clinical testing. Allele origin: germline.
Comment: The p.A823T variant (also known as c.2467G>A) is located in coding exon 16 of the ATM gene. The alanine at codon 823 is replaced by threonine, an amino acid with similar properties. This change occurs in the first base pair of coding exon 16. This amino acid position is not well conserved in available vertebrate species. In addition, this alteration is predicted to be tolerated by in silico analysis. Since supporting evidence is limited at this time, the clinical significance of this alteration remains unclear.

NM_000051.4(ATM):c.2467G>A (p.Ala823Thr)

Gene: ATM (ATM serine/threonine kinase; plus strand). Cytogenetic location: 11q22.3.
Variant type: single nucleotide variant.
Coding change: c.2467G>A on transcript NM_000051.4 (MANE Select); coding-DNA position 2467, G replaced by A.
Protein change: p.Ala823Thr; replaces alanine 823 with threonine.
Molecular consequence: missense variant.
Genome position (GRCh38, 1-based): chr11:108,267,171, G>A. VCF-style: chr11-108267171-G-A. GRCh37 (hg19) VCF-style: chr11-108137898-G-A.
Other names: c.2467G>A, p.Ala823Thr (NM_001351834.2); short protein forms A823T.
Identifiers: ClinVar variation 567938 (VCV000567938.11), dbSNP rs786202895, ClinGen allele CA382543085.